The following is an entry in ClinVar:

NM_020778.5(ALPK3):c.3809T>A (p.Leu1270Gln)

Gene: ALPK3 (alpha kinase 3; plus strand). Cytogenetic location: 15q25.3.
Variant type: single nucleotide variant.
Coding change: c.3809T>A on transcript NM_020778.5 (MANE Select); coding-DNA position 3809, T replaced by A.
Protein change: p.Leu1270Gln; replaces leucine 1270 with glutamine.
Molecular consequence: missense variant.
Genome position (GRCh38, 1-based): chr15:84,858,547, T>A. VCF-style: chr15-84858547-T-A. GRCh37 (hg19) VCF-style: chr15-85401778-T-A.
Other names: short protein forms L1270Q.
Identifiers: ClinVar variation 3699163 (VCV003699163.2).
Genomic context (GRCh38, chr15:84,858,547, plus strand): 5'-AGGTGGCCCTGGATGAAGGCAAGCAGGAGACACTGGCCAAGCCCAGGAAAGCCAAAGACC[T>A]GCTGAAAGGTGAGCAGTGGGGAGGGAGAGGGATGGCTTCACAGGACAGGGCCACAGAAAG-3'
Protein context (NP_065829.4, residues 1260-1280): TLAKPRKAKD[Leu1270Gln]LKAPQVIRKI

ClinVar aggregate classification (germline): Uncertain significance (1 of 4 stars; one submission).

Submission:

Labcorp Genetics (formerly Invitae), Labcorp
Classification: Uncertain significance. Last evaluated: 2024-02-05. Review status: criteria provided, single submitter. Criteria: Invitae Variant Classification Sherloc (09022015). Collection method: clinical testing. Allele origin: germline.
Comment: This sequence change replaces leucine, which is neutral and non-polar, with glutamine, which is neutral and polar, at codon 1472 of the ALPK3 protein (p.Leu1472Gln). This variant is not present in population databases (gnomAD no frequency). This variant has not been reported in the literature in individuals affected with ALPK3-related conditions. Algorithms developed to predict the effect of missense changes on protein structure and function output the following: SIFT: "Not Available"; PolyPhen-2: "Benign"; Align-GVGD: "Not Available". The glutamine amino acid residue is found in multiple mammalian species, which suggests that this missense change does not adversely affect protein function. In summary, the available evidence is currently insufficient to determine the role of this variant in disease. Therefore, it has been classified as a Variant of Uncertain Significance.